The following is an entry in ClinVar:

NM_016169.4(SUFU):c.53C>G (p.Pro18Arg)

Genes: SUFU (SUFU negative regulator of hedgehog signaling; plus strand), LOC130004614 (ATAC-STARR-seq lymphoblastoid silent region 2764; plus strand). Cytogenetic location: 10q24.32.
Variant type: single nucleotide variant.
Coding change: c.53C>G on transcript NM_016169.4 (MANE Select); coding-DNA position 53, C replaced by G.
Protein change: p.Pro18Arg; replaces proline 18 with arginine.
Molecular consequence: missense variant.
Genome position (GRCh38, 1-based): chr10:102,504,205, C>G. VCF-style: chr10-102504205-C-G. GRCh37 (hg19) VCF-style: chr10-104263962-C-G.
Other names: c.53C>G, p.Pro18Arg (NM_001178133.2); short protein forms P18R.
Identifiers: ClinVar variation 1402570 (VCV001402570.9), dbSNP rs1489443369, ClinGen allele CA377886271.

ClinVar aggregate classification (germline): Uncertain significance. Review status: criteria provided, multiple submitters, no conflicts (2 of 4 stars). 2 submissions from 2 submitters: Uncertain significance (2). Last evaluated 2026-01-12.

Conditions:
Gorlin syndrome. Also called: Nevoid Basal Cell Carcinoma Syndrome; Basal cell nevus syndrome. Identifiers: Orphanet 377, MedGen C0004779, MONDO:0007187.
Medulloblastoma (MDB). Also called: Medulloblastoma, somatic; MEDULLOBLASTOMA PREDISPOSITION SYNDROME. Identifiers: Orphanet 616, MedGen C0025149, MeSH D008527, MONDO:0007959, OMIM 155255, HP:0002885.
Hereditary cancer-predisposing syndrome. Also called: Neoplastic Syndromes, Hereditary; Hereditary neoplastic syndrome; Hereditary Cancer Syndrome; Tumor predisposition. Identifiers: Orphanet 140162, MedGen C0027672, MeSH D009386, MONDO:0015356.

Allele frequency attached by ClinVar (database versions not stated): gnomAD exomes below 0.00001; gnomAD 0.00001.
gnomAD v4.1: 3 of 1,597,864 alleles (0.00019%); highest among the groups gnomAD compares: African/African-American, 0.0027%; no homozygotes.

Submissions (2):

Labcorp Genetics (formerly Invitae), Labcorp
Classification: Uncertain significance for Gorlin syndrome; Medulloblastoma. Last evaluated: 2026-01-12. Review status: criteria provided, single submitter. Criteria: Invitae Variant Classification Sherloc (09022015). Collection method: clinical testing. Allele origin: germline.
Comment: This sequence change replaces proline, which is neutral and non-polar, with arginine, which is basic and polar, at codon 18 of the SUFU protein (p.Pro18Arg). This variant is not present in population databases (gnomAD no frequency). This variant has not been reported in the literature in individuals affected with SUFU-related conditions. ClinVar contains an entry for this variant (Variation ID: 1402570). An algorithm developed to predict the effect of missense changes on protein structure and function (PolyPhen-2) suggests that this variant is likely to be tolerated. In summary, the available evidence is currently insufficient to determine the role of this variant in disease. Therefore, it has been classified as a Variant of Uncertain Significance.

Ambry Genetics
Classification: Uncertain significance for Hereditary cancer-predisposing syndrome. Last evaluated: 2024-07-26. Review status: criteria provided, single submitter. Criteria: Ambry Variant Classification Scheme 2023. Collection method: clinical testing. Allele origin: germline.